The following is an entry in ClinVar:

ClinVar aggregate classification (germline): Pathogenic (1 of 4 stars; one submission).

Submission:

Labcorp Genetics (formerly Invitae), Labcorp
Classification: Pathogenic. Last evaluated: 2023-05-24. Review status: criteria provided, single submitter. Criteria: Invitae Variant Classification Sherloc (09022015). Collection method: clinical testing. Allele origin: germline.
Comment: For these reasons, this variant has been classified as Pathogenic. This variant has not been reported in the literature in individuals affected with TTPA-related conditions. This variant is not present in population databases (gnomAD no frequency). This sequence change creates a premature translational stop signal (p.Val126Phefs*10) in the TTPA gene. It is expected to result in an absent or disrupted protein product. Loss-of-function variants in TTPA are known to be pathogenic (PMID: 9463307, 26068213).

Literature cited by the submitters: PubMed 9463307; PubMed 26068213.

NM_000370.3(TTPA):c.376del (p.Val126fs)

Gene: TTPA (alpha tocopherol transfer protein; minus strand). Cytogenetic location: 8q12.3.
Variant type: Deletion.
Coding change: c.376del on transcript NM_000370.3 (MANE Select); coding-DNA position 376, one base deleted (G; older notation c.376delG).
Protein change: p.Val126fs; shifts the reading frame from valine 126.
Molecular consequence: frameshift variant. On other transcripts: non-coding transcript variant (2), intron variant (3).
Genome position (GRCh38, 1-based): chr8:63,066,080, C deleted on the plus strand (G on the coding strand, the reverse complement: TTPA is on the minus strand). VCF-style (leftmost placement, unchanged base first): chr8-63066079-AC-A. GRCh37 (hg19) VCF-style: chr8-63978638-AC-A.
Other names: c.376del, p.Val126fs (NM_001413416.1); c.493del, p.Val165fs (NM_001413418.1); c.205-4655del (NM_001413417.1); c.205-1764del (NM_001413414.1); c.359-4655del (NM_001413415.1); short protein forms V165fs, V126fs.
Identifiers: ClinVar variation 2863968 (VCV002863968.3), dbSNP rs2487147948, ClinGen allele CA2739268808.